The following is an entry in ClinVar:

NM_198428.3(BBS9):c.30G>A (p.Trp10Ter)

Gene: BBS9 (Bardet-Biedl syndrome 9; plus strand). Cytogenetic location: 7p14.3.
Variant type: single nucleotide variant.
Coding change: c.30G>A on transcript NM_198428.3 (MANE Select); coding-DNA position 30, G replaced by A.
Protein change: p.Trp10Ter; replaces tryptophan 10 with a stop codon.
Molecular consequence: nonsense. On other transcripts: 5 prime UTR variant (3), non-coding transcript variant (3), intron variant (4).
Genome position (GRCh38, 1-based): chr7:33,146,282, G>A. VCF-style: chr7-33146282-G-A. GRCh37 (hg19) VCF-style: chr7-33185894-G-A.
Other names: c.30G>A, p.Trp10Ter (NM_001033604.2, NM_001033605.2, NM_001348036.1 and 5 more transcripts); c.-272G>A (NM_001348037.3); c.-248G>A (NM_001348038.3, NM_001348039.3); c.-23-6419G>A (NM_001348042.3); c.-189-6419G>A (NM_001348045.3); c.-39+16241G>A (NM_001348046.3, NM_001348044.3); short protein forms W10*.
Identifiers: ClinVar variation 3345364 (VCV003345364.2).

ClinVar aggregate classification (germline): Likely pathogenic (1 of 4 stars; one submission).

Conditions:
BBS9-related disorder. Also called: BBS9-related condition.

gnomAD v4.1: 2 of 1,614,004 alleles (0.00012%); highest among the groups gnomAD compares: African/African-American, 0.0027%; no homozygotes.

Submission:

PreventionGenetics, part of Exact Sciences
Classification: Likely pathogenic for BBS9-related condition. Last evaluated: 2025-05-14. Review status: criteria provided, single submitter. Criteria: ACMG Guidelines, 2015. Collection method: clinical testing. Allele origin: germline.
Comment: The BBS9 c.30G>A variant is predicted to result in premature protein termination (p.Trp10*). To our knowledge, this variant has not been reported in the literature or in a large population database (gnomAD), indicating this variant is rare. A frameshift variant (p.Leu3Tyrfs*38) upstream of p.Trp10 has been reported with another loss-of-function variant in an individual with Bardet-Biedl syndrome (Zacchia et al. 2021. PubMed ID: 33964006). Nonsense variants in BBS9 are expected to be pathogenic. This variant is interpreted as likely pathogenic.